The following is an entry in ClinVar:

ClinVar aggregate classification (germline): Uncertain significance (1 of 4 stars; one submission).

Submission:

CeGaT Center for Human Genetics Tuebingen
Classification: Uncertain significance. Last evaluated: 2022-10-01. Review status: criteria provided, single submitter. Criteria: CeGaT Center For Human Genetics Tuebingen Variant Classification Criteria Version 2. Collection method: clinical testing. Allele origin: germline. Affected: yes. Observed: 1 variant allele.
Comment: GPR101: PM2, BP4

NM_054021.2(GPR101):c.847A>C (p.Ser283Arg)

Gene: GPR101 (G protein-coupled receptor 101; minus strand). Cytogenetic location: Xq26.3.
Variant type: single nucleotide variant.
Coding change: c.847A>C on transcript NM_054021.2 (MANE Select); coding-DNA position 847, A replaced by C.
Protein change: p.Ser283Arg; replaces serine 283 with arginine.
Molecular consequence: missense variant.
Genome position (GRCh38, 1-based): chrX:137,030,828, T>G on the plus strand (A>C on the coding strand, the complement: GPR101 is on the minus strand). VCF-style: chrX-137030828-T-G. GRCh37 (hg19) VCF-style: chrX-136112987-T-G.
Other names: short protein forms S283R.
Identifiers: ClinVar variation 2661526 (VCV002661526.24), dbSNP rs2520421024, ClinGen allele CA414767097.